The following is an entry in ClinVar:

NM_014908.4(DOLK):c.22C>G (p.Pro8Ala)

Gene: DOLK (dolichol kinase; minus strand). Cytogenetic location: 9q34.11.
Variant type: single nucleotide variant.
Coding change: c.22C>G on transcript NM_014908.4 (MANE Select); coding-DNA position 22, C replaced by G.
Protein change: p.Pro8Ala; replaces proline 8 with alanine.
Molecular consequence: missense variant.
Genome position (GRCh38, 1-based): chr9:128,947,282, G>C on the plus strand (C>G on the coding strand, the complement: DOLK is on the minus strand). VCF-style: chr9-128947282-G-C. GRCh37 (hg19) VCF-style: chr9-131709561-G-C.
Other names: short protein forms P8A.
Identifiers: ClinVar variation 4244191 (VCV004244191.1).

ClinVar aggregate classification (germline): Uncertain significance (1 of 4 stars; one submission).

Conditions:
Cardiovascular phenotype. Identifiers: MedGen CN230736.

Submission:

Ambry Genetics
Classification: Uncertain significance for Cardiovascular phenotype. Last evaluated: 2025-08-19. Review status: criteria provided, single submitter. Criteria: Ambry Variant Classification Scheme 2023. Collection method: clinical testing. Allele origin: germline.
Comment: The p.P8A variant (also known as c.22C>G), located in coding exon 1 of the DOLK gene, results from a C to G substitution at nucleotide position 22. The proline at codon 8 is replaced by alanine, an amino acid with highly similar properties. This amino acid position is conserved. In addition, this alteration is predicted to be tolerated by in silico analysis. Based on the available evidence, the clinical significance of this variant remains unclear.